The following is an entry in ClinVar:

NM_182961.4(SYNE1):c.14308G>T (p.Val4770Phe)

Gene: SYNE1 (spectrin repeat containing nuclear envelope protein 1; minus strand). Cytogenetic location: 6q25.2.
Variant type: single nucleotide variant.
Coding change: c.14308G>T on transcript NM_182961.4 (MANE Select); coding-DNA position 14308, G replaced by T.
Protein change: p.Val4770Phe; replaces valine 4770 with phenylalanine.
Molecular consequence: missense variant.
Genome position (GRCh38, 1-based): chr6:152,330,377, C>A on the plus strand (G>T on the coding strand, the complement: SYNE1 is on the minus strand). VCF-style: chr6-152330377-C-A. GRCh37 (hg19) VCF-style: chr6-152651512-C-A.
Other names: c.14095G>T, p.Val4699Phe (NM_033071.5); short protein forms V4699F, V4770F.
Identifiers: ClinVar variation 1312464 (VCV001312464.2), dbSNP rs2096217582, ClinGen allele CA366098140.
Genomic context (GRCh38, chr6:152,330,377, plus strand): 5'-GCTGTTGGCACATCTTCTCGTGTTCTTGGTAAGCACTGGTGGTGTCTTCTAATAAGCTAA[C>A]CCTCTGTTCTGTTTGTCGCTTCAGCCTGTGATATAAGGTGACAAGGTGCAGCATCTTGTC-3'
Protein context (NP_892006.3, residues 4760-4780): HRLKRQTEQR[Val4770Phe]SLLEDTTSAY

ClinVar aggregate classification (germline): Uncertain significance (1 of 4 stars; one submission).

Submission:

GeneDx
Classification: Uncertain significance. Last evaluated: 2019-09-28. Review status: criteria provided, single submitter. Criteria: GeneDx Variant Classification Process June 2021. Collection method: clinical testing. Allele origin: germline. Affected: yes.
Comment: Not observed in large population cohorts (Lek et al., 2016); In silico analysis, which includes protein predictors and evolutionary conservation, supports that this variant does not alter protein structure/function; Has not been previously published as pathogenic or benign to our knowledge